The following is an entry in ClinVar:

ClinVar aggregate classification (germline): Benign (1 of 4 stars; one submission).

Conditions:
Oroticaciduria. Also called: Orotic aciduria. Identifiers: Orphanet 30, MedGen C0268128, HP:0003218.

Allele frequency attached by ClinVar (database versions not stated): gnomAD exomes 0.00194 and 0.00317; 1000 Genomes Project 30x 0.01437; ExAC 0.00121; 1000 Genomes Project 0.01498; gnomAD 0.01538 and 0.01658; TOPMed 0.01737.
gnomAD v4.1: 2,899 of 454,094 alleles (0.64%); highest among the groups gnomAD compares: African/African-American, 5.3%; 84 homozygotes.

Submission:

Illumina Laboratory Services, Illumina
Classification: Benign for Hereditary orotic aciduria. Last evaluated: 2018-01-12. Review status: criteria provided, single submitter. Criteria: ICSL Variant Classification Criteria 13 December 2019. Collection method: clinical testing. Allele origin: germline.
Comment: This variant was observed in the ICSL laboratory as part of a predisposition screen in an ostensibly healthy population. It had not been previously curated by ICSL or reported in the Human Gene Mutation Database (HGMD: prior to June 1st, 2018), and was therefore a candidate for classification through an automated scoring system. Utilizing variant allele frequency, disease prevalence and penetrance estimates, and inheritance mode, an automated score was calculated to assess if this variant is too frequent to cause the disease. Based on the score and internal cut-off values, a variant classified as benign is not then subjected to further curation. The score for this variant resulted in a classification of benign for this disease.

NM_000373.4(UMPS):c.*3414A>G

Gene: UMPS (uridine monophosphate synthetase; plus strand). Cytogenetic location: 3q21.2.
Variant type: single nucleotide variant.
Coding change: c.*3414A>G on transcript NM_000373.4 (MANE Select); 3414 bases downstream of the stop codon, A replaced by G.
Molecular consequence: 3 prime UTR variant. On other transcripts: non-coding transcript variant (2).
Genome position (GRCh38, 1-based): chr3:124,747,498, A>G. VCF-style: chr3-124747498-A-G. GRCh37 (hg19) VCF-style: chr3-124466345-A-G.
Identifiers: ClinVar variation 343007 (VCV000343007.5), dbSNP rs115977637, ClinGen allele CA2582119.
Genomic context (GRCh38, chr3:124,747,498, plus strand): 5'-TCCGAGCCTGAACCCAAACTCTCGTGTTTCTGCTCACCCCTCTCTGGCTTCTGCCACCAC[A>G]TGGGAAGAATATGCCCTGGTTAGCCCATGGCTTCTGAAGAGCAAGAGAAAGTAGAGCAGA-3'